The following is an entry in ClinVar:

ClinVar aggregate classification (germline): Uncertain significance (1 of 4 stars; one submission).

Conditions:
Common variable immunodeficiency (CVID). Also called: Common variable hypogamma-globulinemia; Common variable agammaglobulinemia. Identifiers: Orphanet 1572, MedGen C0009447, MONDO:0015517.

Submission:

Labcorp Genetics (formerly Invitae), Labcorp
Classification: Uncertain significance for Common variable immunodeficiency. Last evaluated: 2026-02-01. Review status: criteria provided, single submitter. Criteria: Invitae Variant Classification Sherloc (09022015). Collection method: clinical testing. Allele origin: germline.
Comment: This sequence change affects codon 94 of the TNFSF12 mRNA. It is a 'silent' change, meaning that it does not change the encoded amino acid sequence of the TNFSF12 protein. It affects a nucleotide within the consensus splice site. This variant is not present in population databases (gnomAD no frequency). This variant has not been reported in the literature in individuals affected with TNFSF12-related conditions. Algorithms developed to predict the effect of sequence changes on RNA splicing suggest that this variant is not likely to affect RNA splicing. In summary, the available evidence is currently insufficient to determine the role of this variant in disease. Therefore, it has been classified as a Variant of Uncertain Significance.

NM_003809.3(TNFSF12):c.282T>C (p.Ser94=)

Genes: TNFSF12 (TNF superfamily member 12; plus strand), TNFSF12-TNFSF13 (TNFSF12-TNFSF13 readthrough; plus strand). Cytogenetic location: 17p13.1.
Variant type: single nucleotide variant.
Coding change: c.282T>C on transcript NM_003809.3 (MANE Select); coding-DNA position 282, T replaced by C.
Protein change: p.Ser94=; no amino-acid change (serine 94 retained).
Molecular consequence: synonymous variant. On other transcripts: non-coding transcript variant (1).
Genome position (GRCh38, 1-based): chr17:7,550,194, T>C. VCF-style: chr17-7550194-T-C. GRCh37 (hg19) VCF-style: chr17-7453511-T-C.
Other names: c.282T>C, p.Ser94= (NM_172089.4).
Identifiers: ClinVar variation 4736182 (VCV004736182.1).